The following is an entry in ClinVar:

NM_003922.4(HERC1):c.8206+4C>T

Gene: HERC1 (HECT and RLD domain containing E3 ubiquitin protein ligase family member 1; minus strand). Cytogenetic location: 15q22.31.
Variant type: single nucleotide variant.
Coding change: c.8206+4C>T on transcript NM_003922.4 (MANE Select); 4 bases into the intron after coding-DNA position 8206, C replaced by T.
Molecular consequence: intron variant.
Genome position (GRCh38, 1-based): chr15:63,669,534, G>A on the plus strand (C>T on the coding strand, the complement: HERC1 is on the minus strand). VCF-style: chr15-63669534-G-A. GRCh37 (hg19) VCF-style: chr15-63961733-G-A.
Identifiers: ClinVar variation 1949947 (VCV001949947.2), dbSNP rs771225966, ClinGen allele CA7605014.

ClinVar aggregate classification (germline): Uncertain significance (1 of 4 stars; one submission).

Allele frequency attached by ClinVar (database versions not stated): ExAC 0.00001; TOPMed 0.00002.
gnomAD v4.1: 16 of 1,613,466 alleles (0.00099%); highest among the groups gnomAD compares: Admixed American, 0.0083%; no homozygotes.

Submission:

Labcorp Genetics (formerly Invitae), Labcorp
Classification: Uncertain significance. Last evaluated: 2022-05-24. Review status: criteria provided, single submitter. Criteria: Invitae Variant Classification Sherloc (09022015). Collection method: clinical testing. Allele origin: germline.
Comment: This sequence change falls in intron 40 of the HERC1 gene. It does not directly change the encoded amino acid sequence of the HERC1 protein. It affects a nucleotide within the consensus splice site. This variant is present in population databases (rs771225966, gnomAD 0.01%). This variant has not been reported in the literature in individuals affected with HERC1-related conditions. Variants that disrupt the consensus splice site are a relatively common cause of aberrant splicing (PMID: 17576681, 9536098). Algorithms developed to predict the effect of sequence changes on RNA splicing suggest that this variant is not likely to affect RNA splicing. In summary, the available evidence is currently insufficient to determine the role of this variant in disease. Therefore, it has been classified as a Variant of Uncertain Significance.

Literature cited by the submitters: PubMed 17576681; PubMed 9536098.